The following is an entry in ClinVar:

NM_000059.4(BRCA2):c.1705_1706del (p.Gln569fs)

Gene: BRCA2 (BRCA2 DNA repair associated; plus strand). Cytogenetic location: 13q13.1.
Variant type: Microsatellite.
Coding change: c.1705_1706del on transcript NM_000059.4 (MANE Select); coding-DNA positions 1705 to 1706, 2 bases deleted (CA; older notation c.1705_1706delCA).
Protein change: p.Gln569fs; shifts the reading frame from glutamine 569.
Molecular consequence: frameshift variant.
Genome position (GRCh38, 1-based): chr13:32,333,183-32,333,184, CA deleted; deleting any 2 consecutive bases within chr13:32,333,179-32,333,184 gives the same sequence; the c. name uses the placement nearest the transcript's 3' end. VCF-style (leftmost placement, unchanged base first): chr13-32333178-CCA-C. GRCh37 (hg19) VCF-style: chr13-32907315-CCA-C.
Other names: 1933delCA; c.1705_1706del (NM_000059.3); short protein forms Q569fs.
Identifiers: ClinVar variation 266654 (VCV000266654.13), dbSNP rs886040383, ClinGen allele CA10589113.

ClinVar aggregate classification (germline): Pathogenic. Review status: reviewed by expert panel (3 of 4 stars). 4 submissions from 4 submitters: Pathogenic (1). 3 of the submissions do not count toward it. Last evaluated 2016-10-18.

Conditions:
Hereditary breast ovarian cancer syndrome. Also called: Hereditary breast and ovarian cancer; Hereditary breast and ovarian cancer syndrome (HBOC); Hereditary breast and/or ovarian cancer syndrome; Breast and ovarian cancer; Hereditary breast and ovarian cancer syndrome; BRCA1- and BRCA2-Associated Hereditary Breast and Ovarian Cancer. Identifiers: Orphanet 145, MedGen C0677776, MeSH D061325, MONDO:0003582. Disease mechanism: loss of function.
Familial cancer of breast. Also called: Hereditary breast cancer; BREAST CANCER, FAMILIAL; hereditary breast carcinoma. Identifiers: Orphanet 227535, MedGen C0346153, MONDO:0016419, OMIM 114480. Disease mechanism: loss of function.
Breast-ovarian cancer, familial, susceptibility to, 2 (BROVCA2). Also called: BRCA2 Hereditary Breast and Ovarian Cancer. Identifiers: Orphanet 145, MedGen C2675520, MONDO:0012933, OMIM 612555. Disease mechanism: loss of function.

Submissions (4):

Evidence-based Network for the Interpretation of Germline Mutant Alleles (ENIGMA)
Classification: Pathogenic for Breast-ovarian cancer, familial, susceptibility to, 2. Last evaluated: 2016-10-18. Review status: reviewed by expert panel. Criteria: ENIGMA BRCA1/2 Classification Criteria (2015). Collection method: curation. Allele origin: germline.
Comment: Variant allele predicted to encode a truncated non-functional protein.

Labcorp Genetics (formerly Invitae), Labcorp
Classification: Pathogenic for Hereditary breast ovarian cancer syndrome. Last evaluated: 2025-06-03. Review status: criteria provided, single submitter. Criteria: Invitae Variant Classification Sherloc (09022015). Collection method: clinical testing. Allele origin: germline. Not counted in ClinVar's aggregate classification.
Comment: This sequence change creates a premature translational stop signal (p.Gln569Glufs*20) in the BRCA2 gene. It is expected to result in an absent or disrupted protein product. Loss-of-function variants in BRCA2 are known to be pathogenic (PMID: 20104584). This variant is not present in population databases (gnomAD no frequency). This premature translational stop signal has been observed in individual(s) with breast cancer (PMID: 26287763). ClinVar contains an entry for this variant (Variation ID: 266654). For these reasons, this variant has been classified as Pathogenic.

Baylor Genetics
Classification: Pathogenic for Familial cancer of breast. Last evaluated: 2023-08-24. Review status: criteria provided, single submitter. Criteria: ACMG Guidelines, 2015. Collection method: clinical testing. Allele origin: unknown. Not counted in ClinVar's aggregate classification.

Consortium of Investigators of Modifiers of BRCA1/2 (CIMBA), c/o University of Cambridge
Classification: Pathogenic for Breast-ovarian cancer, familial, susceptibility to, 2. Last evaluated: 2015-10-02. Review status: criteria provided, single submitter. Criteria: CIMBA Mutation Classification guidelines May 2016. Collection method: clinical testing. Allele origin: germline. Not counted in ClinVar's aggregate classification.

Literature cited by the submitters: PubMed 20104584 (cited by Labcorp Genetics (formerly Invitae), Labcorp); PubMed 26287763 (cited by Labcorp Genetics (formerly Invitae), Labcorp).